The following is an entry in ClinVar:

ClinVar aggregate classification (germline): Uncertain significance (1 of 4 stars; one submission).

Conditions:
Familial thoracic aortic aneurysm and aortic dissection (TAAD). Also called: Thoracic aortic aneurysms and dissections. Identifiers: Orphanet 91387, MedGen C4707243, MONDO:0019625.

gnomAD v4.1: 2 of 1,612,814 alleles (0.00012%); highest among the groups gnomAD compares: Non-Finnish European, 0.00017%; no homozygotes.

Submission:

Ambry Genetics
Classification: Uncertain significance for Familial thoracic aortic aneurysm and aortic dissection. Last evaluated: 2025-08-03. Review status: criteria provided, single submitter. Criteria: Ambry Variant Classification Scheme 2023. Collection method: clinical testing. Allele origin: germline.
Comment: The p.L2304S variant (also known as c.6911T>C), located in coding exon 34 of the NOTCH1 gene, results from a T to C substitution at nucleotide position 6911. The leucine at codon 2304 is replaced by serine, an amino acid with dissimilar properties. This amino acid position is conserved. In addition, the in silico prediction for this alteration is inconclusive. Based on the available evidence, the clinical significance of this variant remains unclear.

NM_017617.5(NOTCH1):c.6911T>C (p.Leu2304Ser)

Gene: NOTCH1 (notch receptor 1; minus strand). Cytogenetic location: 9q34.3.
Variant type: single nucleotide variant.
Coding change: c.6911T>C on transcript NM_017617.5 (MANE Select); coding-DNA position 6911, T replaced by C.
Protein change: p.Leu2304Ser; replaces leucine 2304 with serine.
Molecular consequence: missense variant.
Genome position (GRCh38, 1-based): chr9:136,496,828, A>G on the plus strand (T>C on the coding strand, the complement: NOTCH1 is on the minus strand). VCF-style: chr9-136496828-A-G. GRCh37 (hg19) VCF-style: chr9-139391280-A-G.
Other names: short protein forms L2304S.
Identifiers: ClinVar variation 4121659 (VCV004121659.1).